The following is an entry in ClinVar:

NM_001111067.4(ACVR1):c.391G>C (p.Val131Leu)

Gene: ACVR1 (activin A receptor type 1; minus strand). Cytogenetic location: 2q24.1.
Variant type: single nucleotide variant.
Coding change: c.391G>C on transcript NM_001111067.4 (MANE Select); coding-DNA position 391, G replaced by C.
Protein change: p.Val131Leu; replaces valine 131 with leucine.
Molecular consequence: missense variant.
Genome position (GRCh38, 1-based): chr2:157,778,283, C>G on the plus strand (G>C on the coding strand, the complement: ACVR1 is on the minus strand). VCF-style: chr2-157778283-C-G. GRCh37 (hg19) VCF-style: chr2-158634795-C-G.
Other names: c.391G>C, p.Val131Leu (NM_001105.5, NM_001347663.1, NM_001347664.1 and 3 more transcripts); short protein forms V131L.
Identifiers: ClinVar variation 3640961 (VCV003640961.2).
Genomic context (GRCh38, chr2:157,778,283, plus strand): 5'-TTTTAAATTTTCGGAGAGCAACTCCCAGCAGGCAGGCTAAAAGACATACTGCGAACACTA[C>G]AGAGAGAATAATGAGGCCAACCTCCAAGTGGAAATTCTGTGTTCCAGGGAAGGATTTTCC-3'
Protein context (NP_001104537.1, residues 121-141): HLEVGLIILS[Val131Leu]VFAVCLLACL

ClinVar aggregate classification (germline): Uncertain significance (1 of 4 stars; one submission).

Submission:

Labcorp Genetics (formerly Invitae), Labcorp
Classification: Uncertain significance. Last evaluated: 2024-03-11. Review status: criteria provided, single submitter. Criteria: Invitae Variant Classification Sherloc (09022015). Collection method: clinical testing. Allele origin: germline.
Comment: This sequence change replaces valine, which is neutral and non-polar, with leucine, which is neutral and non-polar, at codon 131 of the ACVR1 protein (p.Val131Leu). This variant is not present in population databases (gnomAD no frequency). This variant has not been reported in the literature in individuals affected with ACVR1-related conditions. An algorithm developed to predict the effect of missense changes on protein structure and function (PolyPhen-2) suggests that this variant is likely to be tolerated. In summary, the available evidence is currently insufficient to determine the role of this variant in disease. Therefore, it has been classified as a Variant of Uncertain Significance.